The following is an entry in ClinVar:

NM_001003694.2(BRPF1):c.2215C>G (p.Arg739Gly)

Gene: BRPF1 (bromodomain and PHD finger containing 1; plus strand). Cytogenetic location: 3p25.3.
Variant type: single nucleotide variant.
Coding change: c.2215C>G on transcript NM_001003694.2 (MANE Select); coding-DNA position 2215, C replaced by G.
Protein change: p.Arg739Gly; replaces arginine 739 with glycine.
Molecular consequence: missense variant. On other transcripts: non-coding transcript variant (1).
Genome position (GRCh38, 1-based): chr3:9,743,157, C>G. VCF-style: chr3-9743157-C-G. GRCh37 (hg19) VCF-style: chr3-9784841-C-G.
Other names: c.2197C>G, p.Arg733Gly (NM_001319049.2, NM_001319050.2, NM_004634.3); c.2215C>G, p.Arg739Gly (NM_001410704.1); short protein forms R733G, R739G.
Identifiers: ClinVar variation 3600969 (VCV003600969.1).
Genomic context (GRCh38, chr3:9,743,157, plus strand): 5'-ATCTTCTACCGGGCAGCAGTGCGGCTTCGTGAGCAGGGTGGTGCTGTGCTCCGCCAGGCC[C>G]GGCGCCAGGCAGAAAAAATGGGCATTGACTTTGAGACGGGCATGCATATCCCCCACAGCC-3'
Protein context (NP_001003694.1, residues 729-749): EQGGAVLRQA[Arg739Gly]RQAEKMGIDF

ClinVar aggregate classification (germline): Uncertain significance (1 of 4 stars; one submission).

Submission:

GeneDx
Classification: Uncertain significance. Last evaluated: 2024-07-25. Review status: criteria provided, single submitter. Criteria: GeneDx Variant Classification Process June 2021. Collection method: clinical testing. Allele origin: germline. Affected: yes.
Comment: Not observed at significant frequency in large population cohorts (gnomAD); In silico analysis supports that this missense variant has a deleterious effect on protein structure/function; Has not been previously published as pathogenic or benign to our knowledge